The following is an entry in ClinVar:

ClinVar aggregate classification (germline): Uncertain significance (1 of 4 stars; one submission).

Allele frequency attached by ClinVar (database versions not stated): gnomAD exomes below 0.00001.
gnomAD v4.1: 5 of 1,604,206 alleles (0.00031%); highest among the groups gnomAD compares: Non-Finnish European, 0.00042%; no homozygotes.

Submission:

Labcorp Genetics (formerly Invitae), Labcorp
Classification: Uncertain significance. Last evaluated: 2023-12-26. Review status: criteria provided, single submitter. Criteria: Invitae Variant Classification Sherloc (09022015). Collection method: clinical testing. Allele origin: germline.
Comment: This sequence change replaces histidine, which is basic and polar, with aspartic acid, which is acidic and polar, at codon 836 of the FUK protein (p.His836Asp). This variant is not present in population databases (gnomAD no frequency). This variant has not been reported in the literature in individuals affected with FUK-related conditions. An algorithm developed to predict the effect of missense changes on protein structure and function (PolyPhen-2) suggests that this variant is likely to be disruptive. In summary, the available evidence is currently insufficient to determine the role of this variant in disease. Therefore, it has been classified as a Variant of Uncertain Significance.

NM_145059.3(FCSK):c.2506C>G (p.His836Asp)

Gene: FCSK (fucose kinase; plus strand). Cytogenetic location: 16q22.1.
Variant type: single nucleotide variant.
Coding change: c.2506C>G on transcript NM_145059.3 (MANE Select); coding-DNA position 2506, C replaced by G.
Protein change: p.His836Asp; replaces histidine 836 with aspartic acid.
Molecular consequence: missense variant.
Genome position (GRCh38, 1-based): chr16:70,475,478, C>G. VCF-style: chr16-70475478-C-G. GRCh37 (hg19) VCF-style: chr16-70509381-C-G.
Other names: short protein forms H836D.
Identifiers: ClinVar variation 2705575 (VCV002705575.3), dbSNP rs2507443027, ClinGen allele CA396573734.